The following is an entry in ClinVar:

NM_130468.4(CHST14):c.274G>A (p.Gly92Ser)

Gene: CHST14 (carbohydrate sulfotransferase 14; plus strand). Cytogenetic location: 15q15.1.
Variant type: single nucleotide variant.
Coding change: c.274G>A on transcript NM_130468.4 (MANE Select); coding-DNA position 274, G replaced by A.
Protein change: p.Gly92Ser; replaces glycine 92 with serine.
Molecular consequence: missense variant.
Genome position (GRCh38, 1-based): chr15:40,471,487, G>A. VCF-style: chr15-40471487-G-A. GRCh37 (hg19) VCF-style: chr15-40763686-G-A.
Other names: short protein forms G92S.
Identifiers: ClinVar variation 3492664 (VCV003492664.1).
Genomic context (GRCh38, chr15:40,471,487, plus strand): 5'-CCCCTGCACCCGCCCGGCCGCGAGGGCACAGCCTGGCGCGGGAAAGCCCCCAAGCCTGGG[G>A]GCCTGTCCCTCAGGGCTGGGGACGCGGACTTGCAAGTGCGGCAGGACGTCCGGAACAGGA-3'
Protein context (NP_569735.1, residues 82-102): AWRGKAPKPG[Gly92Ser]LSLRAGDADL

ClinVar aggregate classification (germline): Uncertain significance (1 of 4 stars; one submission).

Conditions:
Cardiovascular phenotype. Identifiers: MedGen CN230736.

Submission:

Ambry Genetics
Classification: Uncertain significance for Cardiovascular phenotype. Last evaluated: 2024-10-22. Review status: criteria provided, single submitter. Criteria: Ambry Variant Classification Scheme 2023. Collection method: clinical testing. Allele origin: germline.
Comment: The p.G92S variant (also known as c.274G>A), located in coding exon 1 of the CHST14 gene, results from a G to A substitution at nucleotide position 274. The glycine at codon 92 is replaced by serine, an amino acid with similar properties. This amino acid position is conserved. In addition, this alteration is predicted to be tolerated by in silico analysis. Based on the available evidence, the clinical significance of this variant remains unclear.